The following is an entry in ClinVar:

ClinVar aggregate classification (germline): Uncertain significance. Review status: criteria provided, multiple submitters, no conflicts (2 of 4 stars). 4 submissions from 4 submitters: Uncertain significance (3). 1 of the submissions does not count toward it. Last evaluated 2023-07-26.

Conditions:
Pendred syndrome (PDS). Also called: Pendred's syndrome; Pendred Syndrome (PDS); DEAFNESS WITH GOITER; GOITER-DEAFNESS SYNDROME; HYPOTHYROIDISM, CONGENITAL, DUE TO DYSHORMONOGENESIS, 2B; THYROID DYSHORMONOGENESIS 2B. Identifiers: Orphanet 705, MedGen C0271829, MONDO:0010134, OMIM 274600.

Allele frequency attached by ClinVar (database versions not stated): gnomAD 0.00001; gnomAD exomes 0.00001.
gnomAD v4.1: 22 of 1,598,972 alleles (0.0014%); highest among the groups gnomAD compares: African/African-American, 0.016%; no homozygotes.

Submissions (4):

Women's Health and Genetics/Laboratory Corporation of America, LabCorp
Classification: Uncertain significance. Last evaluated: 2023-07-26. Review status: criteria provided, single submitter. Criteria: LabCorp Variant Classification Summary - May 2015. Collection method: clinical testing. Allele origin: germline.
Comment: Variant summary: SLC26A4 c.2228T>C (p.Leu743Ser) results in a non-conservative amino acid change in the encoded protein sequence. Three of five in-silico tools predict a damaging effect of the variant on protein function. The variant was absent in 251200 control chromosomes (gnomAD v2 Exomes dataset). The available data on variant occurrences in the general population are insufficient to allow any conclusion about variant significance. To our knowledge, no occurrence of c.2228T>C in individuals affected with Pendred Syndrome and no experimental evidence demonstrating its impact on protein function have been reported. Three submitters have reported clinical-significance assessments for this variant to ClinVar after 2014. All submitters classified the variant as uncertain significance. Based on the evidence outlined above, the variant was classified as uncertain significance.

Labcorp Genetics (formerly Invitae), Labcorp
Classification: Uncertain significance. Last evaluated: 2021-08-27. Review status: criteria provided, single submitter. Criteria: Invitae Variant Classification Sherloc (09022015). Collection method: clinical testing. Allele origin: germline.
Comment: This sequence change replaces leucine with serine at codon 743 of the SLC26A4 protein (p.Leu743Ser). The leucine residue is moderately conserved and there is a large physicochemical difference between leucine and serine. This variant is not present in population databases (ExAC no frequency). This variant has not been reported in the literature in individuals affected with SLC26A4-related conditions. Advanced modeling of protein sequence and biophysical properties (such as structural, functional, and spatial information, amino acid conservation, physicochemical variation, residue mobility, and thermodynamic stability) performed at Invitae indicates that this missense variant is not expected to disrupt SLC26A4 protein function. In summary, the available evidence is currently insufficient to determine the role of this variant in disease. Therefore, it has been classified as a Variant of Uncertain Significance.

GeneDx
Classification: Uncertain significance. Last evaluated: 2020-11-02. Review status: criteria provided, single submitter. Criteria: GeneDx Variant Classification Process June 2021. Collection method: clinical testing. Allele origin: germline. Affected: yes.
Comment: Not observed at a significant frequency in large population cohorts (Lek et al., 2016); In silico analysis supports that this missense variant does not alter protein structure/function; Has not been previously published as pathogenic or benign to our knowledge

Natera, Inc.
Classification: Uncertain significance for Pendred syndrome. Last evaluated: 2020-03-17. Review status: no assertion criteria provided. Collection method: clinical testing. Allele origin: germline. Not counted in ClinVar's aggregate classification.

NM_000441.2(SLC26A4):c.2228T>C (p.Leu743Ser)

Gene: SLC26A4 (solute carrier family 26 member 4; plus strand). Cytogenetic location: 7q22.3.
Variant type: single nucleotide variant.
Coding change: c.2228T>C on transcript NM_000441.2 (MANE Select); coding-DNA position 2228, T replaced by C.
Protein change: p.Leu743Ser; replaces leucine 743 with serine.
Molecular consequence: missense variant.
Genome position (GRCh38, 1-based): chr7:107,710,192, T>C. VCF-style: chr7-107710192-T-C. GRCh37 (hg19) VCF-style: chr7-107350637-T-C.
Other names: short protein forms L743S.
Identifiers: ClinVar variation 1187576 (VCV001187576.6), dbSNP rs1057517303, ClinGen allele CA368846153.